The following is an entry in ClinVar:

ClinVar aggregate classification (germline): Likely benign. Review status: reviewed by expert panel (3 of 4 stars). 3 submissions from 3 submitters: Likely benign (1). 2 of the submissions do not count toward it. Last evaluated 2024-09-18.

Conditions:
Hereditary thrombocytopenia and hematologic cancer predisposition syndrome. Identifiers: Orphanet 71290, MedGen CN281654, MONDO:0011071.
Inborn genetic diseases. Identifiers: MedGen C0950123, MeSH D030342.
Hereditary thrombocytopenia and hematological cancer predisposition syndrome associated with RUNX1. Also called: RUNX1 Familial Platelet Disorder with Associated Myeloid Malignancies; Familial Platelet Disorder with Propensity to Acute Myelogenous Leukemia; Familial thrombocytopenia with propensity to acute myelogenous leukemia; PLATELET DISORDER, ASPIRIN-LIKE. Identifiers: Orphanet 71290, MedGen C1832388, MeSH C563324, MONDO:0100083, OMIM 601399.

Allele frequency attached by ClinVar (database versions not stated): TOPMed below 0.00001; ExAC 0.00001; gnomAD 0.00001.
gnomAD v4.1: 1 of 1,613,338 alleles (0.000062%); highest among the groups gnomAD compares: East Asian, 0.0022%; no homozygotes.

Submissions (3):

ClinGen Myeloid Malignancy Variant Curation Expert Panel
Classification: Likely benign for Hereditary thrombocytopenia and hematologic cancer predisposition syndrome. Last evaluated: 2024-09-18. Review status: reviewed by expert panel. Criteria: ClinGen MyeloMalig ACMG Specifications v2. Collection method: curation. Allele origin: germline. Inheritance: Autosomal dominant inheritance.
Comment: NM_001754.5(RUNX1):c.276C>T (p.Thr92=) is a synonymous variant which has a SpliceAI score ≤ 0.20 (0.01) (BP4). This variant has a SpliceAI score ≤ 0.20 (0.01) and evolutionary conservation algorithms predict the site as not being conserved (PhyloP score ≤ 2.0 (0.64) (BP7). In summary, this variant meets criteria to be classified as likely benign. ACMG/AMP criteria applied, as specified by the Myeloid Malignancy Variant Curation Expert Panel for RUNX1: BP4, BP7.

Ambry Genetics
Classification: Likely benign for Inborn genetic diseases. Last evaluated: 2025-01-16. Review status: criteria provided, single submitter. Criteria: Ambry Variant Classification Scheme 2023. Collection method: clinical testing. Allele origin: germline. Not counted in ClinVar's aggregate classification.

Labcorp Genetics (formerly Invitae), Labcorp
Classification: Likely benign for Hereditary thrombocytopenia and hematological cancer predisposition syndrome associated with RUNX1. Last evaluated: 2022-03-26. Review status: criteria provided, single submitter. Criteria: Invitae Variant Classification Sherloc (09022015). Collection method: clinical testing. Allele origin: germline. Not counted in ClinVar's aggregate classification.

NM_001754.5(RUNX1):c.276C>T (p.Thr92=)

Gene: RUNX1 (RUNX family transcription factor 1; minus strand). Cytogenetic location: 21q22.12.
Variant type: single nucleotide variant.
Coding change: c.276C>T on transcript NM_001754.5 (MANE Select); coding-DNA position 276, C replaced by T.
Protein change: p.Thr92=; no amino-acid change (threonine 92 retained).
Molecular consequence: synonymous variant.
Genome position (GRCh38, 1-based): chr21:34,886,918, G>A on the plus strand (C>T on the coding strand, the complement: RUNX1 is on the minus strand). VCF-style: chr21-34886918-G-A. GRCh37 (hg19) VCF-style: chr21-36259215-G-A.
Other names: NM_001754.5(RUNX1):c.276C>T; p.Thr92=; c.195C>T, p.Thr65= (NM_001001890.3, NM_001122607.2).
Identifiers: ClinVar variation 2151113 (VCV002151113.6), dbSNP rs765414656, ClinGen allele CA10014557.